The following is an entry in ClinVar:

ClinVar aggregate classification (germline): Uncertain significance (1 of 4 stars; one submission).

Conditions:
Ullrich congenital muscular dystrophy 2 (UCMD2). Identifiers: Orphanet 75840, MedGen C4225314, MONDO:0014654, OMIM 616470.
Bethlem myopathy 2 (BTHLM2). Identifiers: Orphanet 536516, Orphanet 610, MedGen C4225313, MONDO:0034022, OMIM 616471.

Submission:

Labcorp Genetics (formerly Invitae), Labcorp
Classification: Uncertain significance for Bethlem myopathy 2; Ullrich congenital muscular dystrophy 2. Last evaluated: 2025-11-01. Review status: criteria provided, single submitter. Criteria: Invitae Variant Classification Sherloc (09022015). Collection method: clinical testing. Allele origin: germline.
Comment: This sequence change replaces valine, which is neutral and non-polar, with alanine, which is neutral and non-polar, at codon 2095 of the COL12A1 protein (p.Val2095Ala). This variant is not present in population databases (gnomAD no frequency). This variant has not been reported in the literature in individuals affected with COL12A1-related conditions. Invitae Evidence Modeling of protein sequence and biophysical properties (such as structural, functional, and spatial information, amino acid conservation, physicochemical variation, residue mobility, and thermodynamic stability) has been performed for this missense variant. However, the output from this modeling did not meet the statistical confidence thresholds required to predict the impact of this variant on COL12A1 protein function. In summary, the available evidence is currently insufficient to determine the role of this variant in disease. Therefore, it has been classified as a Variant of Uncertain Significance.

NM_004370.6(COL12A1):c.6284T>C (p.Val2095Ala)

Gene: COL12A1 (collagen type XII alpha 1 chain; minus strand). Cytogenetic location: 6q13.
Variant type: single nucleotide variant.
Coding change: c.6284T>C on transcript NM_004370.6 (MANE Select); coding-DNA position 6284, T replaced by C.
Protein change: p.Val2095Ala; replaces valine 2095 with alanine.
Molecular consequence: missense variant.
Genome position (GRCh38, 1-based): chr6:75,128,352, A>G on the plus strand (T>C on the coding strand, the complement: COL12A1 is on the minus strand). VCF-style: chr6-75128352-A-G. GRCh37 (hg19) VCF-style: chr6-75838068-A-G.
Other names: c.2792T>C, p.Val931Ala (NM_080645.3, NM_001424116.1); c.6284T>C, p.Val2095Ala (NM_001424113.1); c.6263T>C, p.Val2088Ala (NM_001424114.1); c.6011T>C, p.Val2004Ala (NM_001424115.1); short protein forms V2095A, V931A, V2088A, V2004A.
Identifiers: ClinVar variation 4792542 (VCV004792542.1).